The following is an entry in ClinVar:

NM_014679.5(CEP57):c.998C>T (p.Ala333Val)

Gene: CEP57 (centrosomal protein 57; plus strand). Cytogenetic location: 11q21.
Variant type: single nucleotide variant.
Coding change: c.998C>T on transcript NM_014679.5 (MANE Select); coding-DNA position 998, C replaced by T.
Protein change: p.Ala333Val; replaces alanine 333 with valine.
Molecular consequence: missense variant.
Genome position (GRCh38, 1-based): chr11:95,827,898, C>T. VCF-style: chr11-95827898-C-T. GRCh37 (hg19) VCF-style: chr11-95561062-C-T.
Other names: c.971C>T, p.Ala324Val (NM_001243776.2); c.920C>T, p.Ala307Val (NM_001243777.2); c.917C>T, p.Ala306Val (NM_001363604.2); short protein forms A324V, A306V, A333V, A307V.
Identifiers: ClinVar variation 2697241 (VCV002697241.3), dbSNP rs2496325669, ClinGen allele CA382407999.

ClinVar aggregate classification (germline): Uncertain significance (1 of 4 stars; one submission).

Conditions:
Mosaic variegated aneuploidy syndrome 2 (MVA2). Identifiers: Orphanet 1052, MedGen C3279843, MONDO:0013582, OMIM 614114.

Submission:

Labcorp Genetics (formerly Invitae), Labcorp
Classification: Uncertain significance for Mosaic variegated aneuploidy syndrome 2. Last evaluated: 2025-03-17. Review status: criteria provided, single submitter. Criteria: Invitae Variant Classification Sherloc (09022015). Collection method: clinical testing. Allele origin: germline.
Comment: This sequence change replaces alanine, which is neutral and non-polar, with valine, which is neutral and non-polar, at codon 333 of the CEP57 protein (p.Ala333Val). This variant is not present in population databases (gnomAD no frequency). This variant has not been reported in the literature in individuals affected with CEP57-related conditions. ClinVar contains an entry for this variant (Variation ID: 2697241). Invitae Evidence Modeling of protein sequence and biophysical properties (such as structural, functional, and spatial information, amino acid conservation, physicochemical variation, residue mobility, and thermodynamic stability) indicates that this missense variant is not expected to disrupt CEP57 protein function with a negative predictive value of 80%. In summary, the available evidence is currently insufficient to determine the role of this variant in disease. Therefore, it has been classified as a Variant of Uncertain Significance.